The following is an entry in ClinVar:

NM_182758.4(WDR72):c.93G>C (p.Thr31=)

Gene: WDR72 (WD repeat domain 72; minus strand). Cytogenetic location: 15q21.3.
Variant type: single nucleotide variant.
Coding change: c.93G>C on transcript NM_182758.4 (MANE Select); coding-DNA position 93, G replaced by C.
Protein change: p.Thr31=; no amino-acid change (threonine 31 retained).
Molecular consequence: synonymous variant. On other transcripts: non-coding transcript variant (1).
Genome position (GRCh38, 1-based): chr15:53,733,057, C>G on the plus strand (G>C on the coding strand, the complement: WDR72 is on the minus strand). VCF-style: chr15-53733057-C-G. GRCh37 (hg19) VCF-style: chr15-54025254-C-G.
Identifiers: ClinVar variation 316605 (VCV000316605.30), dbSNP rs148643501, ClinGen allele CA7571545.

ClinVar aggregate classification (germline): Conflicting classifications of pathogenicity. Review status: criteria provided, conflicting classifications (1 of 4 stars). 3 submissions from 3 submitters: Uncertain significance (1); Likely benign (2). Last evaluated 2026-01-01.

Conditions:
Amelogenesis imperfecta hypomaturation type 2A3. Also called: Amelogenesis imperfecta, type IIA3. Identifiers: Orphanet 88661, MedGen C2750771, MONDO:0013181, OMIM 613211. Disease mechanism: loss of function.

Allele frequency attached by ClinVar (database versions not stated): 1000 Genomes Project 30x 0.00016; 1000 Genomes Project 0.00020; gnomAD 0.00032; TOPMed 0.00042; ESP Exome Variant Server 0.00054.
gnomAD v4.1: 970 of 1,614,010 alleles (0.06%); highest among the groups gnomAD compares: Middle Eastern, 0.083%; 2 homozygotes.

Submissions (3):

CeGaT Center for Human Genetics Tuebingen
Classification: Likely benign. Last evaluated: 2026-01-01. Review status: criteria provided, single submitter. Criteria: CeGaT Center For Human Genetics Tuebingen Variant Classification Criteria Version 2. Collection method: clinical testing. Allele origin: germline. Affected: yes. Observed: 2 variant alleles.
Comment: WDR72: BP4, BP7

Blueprint Genetics
Classification: Likely benign. Last evaluated: 2024-10-15. Review status: criteria provided, single submitter. Criteria: ACMG Guidelines, 2015. Collection method: clinical testing. Allele origin: germline.

Illumina Laboratory Services, Illumina
Classification: Uncertain significance for Amelogenesis imperfecta hypomaturation type 2A3. Last evaluated: 2018-01-13. Review status: criteria provided, single submitter. Criteria: ICSL Variant Classification Criteria 13 December 2019. Collection method: clinical testing. Allele origin: germline.